The following is an entry in ClinVar:

NM_182961.4(SYNE1):c.5461C>G (p.Gln1821Glu)

Gene: SYNE1 (spectrin repeat containing nuclear envelope protein 1; minus strand). Cytogenetic location: 6q25.2.
Variant type: single nucleotide variant.
Coding change: c.5461C>G on transcript NM_182961.4 (MANE Select); coding-DNA position 5461, C replaced by G.
Protein change: p.Gln1821Glu; replaces glutamine 1821 with glutamic acid.
Molecular consequence: missense variant.
Genome position (GRCh38, 1-based): chr6:152,416,976, G>C on the plus strand (C>G on the coding strand, the complement: SYNE1 is on the minus strand). VCF-style: chr6-152416976-G-C. GRCh37 (hg19) VCF-style: chr6-152738111-G-C.
Other names: c.5482C>G, p.Gln1828Glu (NM_033071.5); short protein forms Q1821E, Q1828E.
Identifiers: ClinVar variation 846648 (VCV000846648.7), dbSNP rs1289357494, ClinGen allele CA366134083.

ClinVar aggregate classification (germline): Uncertain significance (1 of 4 stars; one submission).

Conditions:
Emery-Dreifuss muscular dystrophy 4, autosomal dominant (EDMD4). Also called: EMERY-DREIFUSS MUSCULAR DYSTROPHY 4 WITH VARIABLE FEATURES. Identifiers: Orphanet 261, MedGen C2751807, MONDO:0013071, OMIM 612998.
Autosomal recessive ataxia, Beauce type. Also called: Spinocerebellar ataxia, autosomal recessive 8; ATAXIA, RECESSIVE, OF BEAUCE; SYNE1-Related Autosomal Recessive Cerebellar Ataxia; SYNE1 Deficiency. Identifiers: Orphanet 88644, MedGen C1853116, MONDO:0012549, OMIM 610743.

gnomAD v4.1: 2 of 1,614,194 alleles (0.00012%); highest among the groups gnomAD compares: Non-Finnish European, 0.00017%; no homozygotes.

Submission:

Labcorp Genetics (formerly Invitae), Labcorp
Classification: Uncertain significance for Emery-Dreifuss muscular dystrophy 4, autosomal dominant; Autosomal recessive ataxia, Beauce type. Last evaluated: 2022-06-04. Review status: criteria provided, single submitter. Criteria: Invitae Variant Classification Sherloc (09022015). Collection method: clinical testing. Allele origin: germline.
Comment: This sequence change replaces glutamine, which is neutral and polar, with glutamic acid, which is acidic and polar, at codon 1828 of the SYNE1 protein (p.Gln1828Glu). This variant is not present in population databases (gnomAD no frequency). This variant has not been reported in the literature in individuals affected with SYNE1-related conditions. ClinVar contains an entry for this variant (Variation ID: 846648). Algorithms developed to predict the effect of missense changes on protein structure and function output the following: SIFT: "Tolerated"; PolyPhen-2: "Benign"; Align-GVGD: "Class C0". The glutamic acid amino acid residue is found in multiple mammalian species, which suggests that this missense change does not adversely affect protein function. In summary, the available evidence is currently insufficient to determine the role of this variant in disease. Therefore, it has been classified as a Variant of Uncertain Significance.